The following is an entry in ClinVar:

ClinVar aggregate classification (germline): Uncertain significance (1 of 4 stars; one submission).

Conditions:
Primary ciliary dyskinesia. Also called: Ciliary dyskinesia. Identifiers: Orphanet 244, MedGen C0008780, MONDO:0016575, HP:0012265.

Allele frequency attached by ClinVar (database versions not stated): gnomAD exomes 0.00001.
gnomAD v4.1: 7 of 1,584,342 alleles (0.00044%); highest among the groups gnomAD compares: South Asian, 0.0012%; no homozygotes.

Submission:

Labcorp Genetics (formerly Invitae), Labcorp
Classification: Uncertain significance for Primary ciliary dyskinesia. Last evaluated: 2018-10-18. Review status: criteria provided, single submitter. Criteria: Invitae Variant Classification Sherloc (09022015). Collection method: clinical testing. Allele origin: germline.
Comment: In summary, the available evidence is currently insufficient to determine the role of this variant in disease. Therefore, it has been classified as a Variant of Uncertain Significance. Nucleotide substitutions within the consensus splice site are a relatively common cause of aberrant splicing (PMID: 17576681, 9536098). Algorithms developed to predict the effect of sequence changes on RNA splicing suggest that this variant may create or strengthen a splice site, but this prediction has not been confirmed by published transcriptional studies. This variant has not been reported in the literature in individuals with DNAH11-related disease. This variant is not present in population databases (ExAC no frequency). This sequence change falls in intron 47 of the DNAH11 gene. It does not directly change the encoded amino acid sequence of the DNAH11 protein, but it affects a nucleotide within the consensus splice site of the intron.

Literature cited by the submitters: PubMed 17576681; PubMed 9536098.

NM_001277115.2(DNAH11):c.7811+6C>T

Gene: DNAH11 (dynein axonemal heavy chain 11; plus strand). Cytogenetic location: 7p15.3.
Variant type: single nucleotide variant.
Coding change: c.7811+6C>T on transcript NM_001277115.2 (MANE Select); 6 bases into the intron after coding-DNA position 7811, C replaced by T.
Molecular consequence: intron variant.
Genome position (GRCh38, 1-based): chr7:21,738,872, C>T. VCF-style: chr7-21738872-C-T. GRCh37 (hg19) VCF-style: chr7-21778490-C-T.
Identifiers: ClinVar variation 661948 (VCV000661948.9), dbSNP rs1436992109, ClinGen allele CA572924935.